The following is an entry in ClinVar:

NM_015047.3(EMC1):c.1186G>A (p.Glu396Lys)

Genes: EMC1 (ER membrane protein complex subunit 1; minus strand), EMC1-AS1 (EMC1 antisense RNA 1; plus strand). Cytogenetic location: 1p36.13.
Variant type: single nucleotide variant.
Coding change: c.1186G>A on transcript NM_015047.3 (MANE Select); coding-DNA position 1186, G replaced by A.
Protein change: p.Glu396Lys; replaces glutamic acid 396 with lysine.
Molecular consequence: missense variant.
Genome position (GRCh38, 1-based): chr1:19,238,043, C>T on the plus strand (G>A on the coding strand, the complement: EMC1 is on the minus strand). VCF-style: chr1-19238043-C-T. GRCh37 (hg19) VCF-style: chr1-19564537-C-T.
Other names: c.1183G>A, p.Glu395Lys (NM_001271427.2, NM_001375821.1); c.1186G>A, p.Glu396Lys (NM_001271428.2, NM_001375820.1); c.1120G>A, p.Glu374Lys (NM_001271429.2); short protein forms E374K, E395K, E396K.
Identifiers: ClinVar variation 1450742 (VCV001450742.8), dbSNP rs200440484, ClinGen allele CA338766218.

ClinVar aggregate classification (germline): Uncertain significance (1 of 4 stars; one submission).

gnomAD v4.1: 1 of 1,613,828 alleles (0.000062%); highest among the groups gnomAD compares: African/African-American, 0.0013%; no homozygotes.

Submission:

Labcorp Genetics (formerly Invitae), Labcorp
Classification: Uncertain significance. Last evaluated: 2024-04-10. Review status: criteria provided, single submitter. Criteria: Invitae Variant Classification Sherloc (09022015). Collection method: clinical testing. Allele origin: germline.
Comment: This sequence change replaces glutamic acid, which is acidic and polar, with lysine, which is basic and polar, at codon 396 of the EMC1 protein (p.Glu396Lys). This variant is not present in population databases (gnomAD no frequency). This variant has not been reported in the literature in individuals affected with EMC1-related conditions. ClinVar contains an entry for this variant (Variation ID: 1450742). Advanced modeling of protein sequence and biophysical properties (such as structural, functional, and spatial information, amino acid conservation, physicochemical variation, residue mobility, and thermodynamic stability) performed at Invitae indicates that this missense variant is not expected to disrupt EMC1 protein function with a negative predictive value of 80%. In summary, the available evidence is currently insufficient to determine the role of this variant in disease. Therefore, it has been classified as a Variant of Uncertain Significance.